The following is an entry in ClinVar:

NM_033028.5(BBS4):c.153C>T (p.Cys51=)

Gene: BBS4 (Bardet-Biedl syndrome 4; plus strand). Cytogenetic location: 15q24.1.
Variant type: single nucleotide variant.
Coding change: c.153C>T on transcript NM_033028.5 (MANE Select); coding-DNA position 153, C replaced by T.
Protein change: p.Cys51=; no amino-acid change (cysteine 51 retained).
Molecular consequence: synonymous variant. On other transcripts: 5 prime UTR variant (1), non-coding transcript variant (2).
Genome position (GRCh38, 1-based): chr15:72,709,776, C>T. VCF-style: chr15-72709776-C-T. GRCh37 (hg19) VCF-style: chr15-73002117-C-T.
Other names: c.-369C>T (NM_001252678.2); c.153C>T, p.Cys51= (NM_001320665.2); c.153C>T (NM_033028.4).
Identifiers: ClinVar variation 1385639 (VCV001385639.10), dbSNP rs754709708, ClinGen allele CA7646509.

ClinVar aggregate classification (germline): Conflicting classifications of pathogenicity. Review status: criteria provided, conflicting classifications (1 of 4 stars). 3 submissions from 3 submitters: Uncertain significance (1); Likely benign (2). Last evaluated 2025-03-07.

Conditions:
Bardet-Biedl syndrome (BBS). Identifiers: Orphanet 110, MedGen C0752166, MONDO:0015229.
Bardet-Biedl syndrome 4 (BBS4). Identifiers: Orphanet 110, MedGen C2936864, MONDO:0014433, OMIM 615982.
BBS4-related disorder. Also called: BBS4-related condition.

Allele frequency attached by ClinVar (database versions not stated): gnomAD 0.00001; gnomAD exomes 0.00001 and 0.00002; ExAC 0.00002.
gnomAD v4.1: 18 of 1,612,124 alleles (0.0011%); highest among the groups gnomAD compares: South Asian, 0.019%; no homozygotes.

Submissions (3):

PreventionGenetics, part of Exact Sciences
Classification: Likely benign for BBS4-related condition. Last evaluated: 2025-03-07. Review status: criteria provided, single submitter. Criteria: ACMG Guidelines, 2015. Collection method: clinical testing. Allele origin: germline.
Comment: This variant is classified as likely benign based on ACMG/AMP sequence variant interpretation guidelines (Richards et al. 2015 PMID: 25741868, with internal and published modifications).

Labcorp Genetics (formerly Invitae), Labcorp
Classification: Likely benign for Bardet-Biedl syndrome. Last evaluated: 2023-08-30. Review status: criteria provided, single submitter. Criteria: Invitae Variant Classification Sherloc (09022015). Collection method: clinical testing. Allele origin: germline.

Fulgent Genetics
Classification: Uncertain significance for Bardet-Biedl syndrome 4. Last evaluated: 2022-01-05. Review status: criteria provided, single submitter. Criteria: ACMG Guidelines, 2015. Collection method: clinical testing. Allele origin: unknown.